The following is an entry in ClinVar:

NM_001128178.3(NPHP1):c.817G>A (p.Ala273Thr)

Gene: NPHP1 (nephrocystin 1; minus strand). Cytogenetic location: 2q13.
Variant type: single nucleotide variant.
Coding change: c.817G>A on transcript NM_001128178.3 (MANE Select); coding-DNA position 817, G replaced by A.
Protein change: p.Ala273Thr; replaces alanine 273 with threonine.
Molecular consequence: missense variant.
Genome position (GRCh38, 1-based): chr2:110,163,090, C>T on the plus strand (G>A on the coding strand, the complement: NPHP1 is on the minus strand). VCF-style: chr2-110163090-C-T. GRCh37 (hg19) VCF-style: chr2-110920667-C-T.
Other names: c.985G>A (NM_000272.3); c.985G>A, p.Ala329Thr (NM_000272.5); c.628G>A, p.Ala210Thr (NM_001128179.3); c.814G>A, p.Ala272Thr (NM_001374256.1); c.817G>A, p.Ala273Thr (NM_001374257.1); c.982G>A, p.Ala328Thr (NM_207181.4); short protein forms A210T, A328T, A272T, A329T, A273T.
Identifiers: ClinVar variation 1511869 (VCV001511869.8), dbSNP rs751003854, ClinGen allele CA1827213.
Genomic context (GRCh38, chr2:110,163,090, plus strand): 5'-CTGATAGGCACGCATTACCTTCCTCCAGAAGCTGTGAGAGCGTGGAAGGCCTGAACCCTG[C>T]AGGAATAGCTCCCATCGTAGTTAACACATCAACAGTGTTTATCTGCTGAAGACAGTAACA-3'
Protein context (NP_001121650.1, residues 263-283): DVLTTMGAIP[Ala273Thr]GFRPSTLSQL

ClinVar aggregate classification (germline): Uncertain significance. Review status: criteria provided, multiple submitters, no conflicts (2 of 4 stars). 4 submissions from 4 submitters: Uncertain significance (4). Last evaluated 2025-12-12.

Conditions:
Inborn genetic diseases. Identifiers: MedGen C0950123, MeSH D030342.
Nephronophthisis. Also called: Juvenile Nephronophthisis. Identifiers: Orphanet 655, MedGen C0687120, MONDO:0019005, HP:0000090.
NPHP1-related disorder. Also called: NPHP1-related condition; NPHP1-related disorders.
Nephronophthisis 1 (NPHP1). Also called: Nephronophthisis familial juvenile. Identifiers: Orphanet 655, Orphanet 93592, MedGen C1855681, MONDO:0009728, OMIM 256100.
Joubert syndrome with renal defect. Also called: JOUBERT SYNDROME 4. Identifiers: Orphanet 220497, MedGen C1846790, MONDO:0012308, OMIM 609583.
Senior-Loken syndrome 1 (SLSN1). Also called: JUVENILE NEPHRONOPHTHISIS WITH LEBER AMAUROSIS. Identifiers: Orphanet 3156, MedGen C4551559, MONDO:0009962, OMIM 266900.

Allele frequency attached by ClinVar (database versions not stated): gnomAD 0.00001; gnomAD exomes 0.00003 and 0.00004; TOPMed 0.00003; ExAC 0.00005.
gnomAD v4.1: 44 of 1,613,580 alleles (0.0027%); highest among the groups gnomAD compares: Middle Eastern, 0.033%; no homozygotes.

Submissions (4):

PreventionGenetics, part of Exact Sciences
Classification: Uncertain significance for NPHP1-related condition. Last evaluated: 2025-12-12. Review status: criteria provided, single submitter. Criteria: ACMG Guidelines, 2015. Collection method: clinical testing. Allele origin: germline.
Comment: The NPHP1 c.985G>A variant is predicted to result in the amino acid substitution p.Ala329Thr. To our knowledge, this variant has not been reported in the literature. This variant is reported in 0.020% of alleles in individuals of South Asian descent in gnomAD. At this time, the clinical significance of this variant is uncertain due to the absence of conclusive functional and genetic evidence.

Ambry Genetics
Classification: Uncertain significance for Inborn genetic diseases. Last evaluated: 2025-10-15. Review status: criteria provided, single submitter. Criteria: Ambry Variant Classification Scheme 2023. Collection method: clinical testing. Allele origin: germline.

Fulgent Genetics
Classification: Uncertain significance for Nephronophthisis 1; Senior-Loken syndrome 1; Joubert syndrome with renal defect. Last evaluated: 2024-04-17. Review status: criteria provided, single submitter. Criteria: ACMG Guidelines, 2015. Collection method: clinical testing. Allele origin: germline.

Labcorp Genetics (formerly Invitae), Labcorp
Classification: Uncertain significance for Nephronophthisis. Last evaluated: 2022-10-17. Review status: criteria provided, single submitter. Criteria: Invitae Variant Classification Sherloc (09022015). Collection method: clinical testing. Allele origin: germline.
Comment: This sequence change replaces alanine, which is neutral and non-polar, with threonine, which is neutral and polar, at codon 329 of the NPHP1 protein (p.Ala329Thr). This variant is present in population databases (rs751003854, gnomAD 0.02%). This variant has not been reported in the literature in individuals affected with NPHP1-related conditions. ClinVar contains an entry for this variant (Variation ID: 1511869). Advanced modeling of protein sequence and biophysical properties (such as structural, functional, and spatial information, amino acid conservation, physicochemical variation, residue mobility, and thermodynamic stability) performed at Invitae indicates that this missense variant is not expected to disrupt NPHP1 protein function. In summary, the available evidence is currently insufficient to determine the role of this variant in disease. Therefore, it has been classified as a Variant of Uncertain Significance.